The following is an entry in ClinVar:

NM_018136.5(ASPM):c.5623A>G (p.Lys1875Glu)

Gene: ASPM (assembly factor for spindle microtubules; minus strand). Cytogenetic location: 1q31.3.
Variant type: single nucleotide variant.
Coding change: c.5623A>G on transcript NM_018136.5 (MANE Select); coding-DNA position 5623, A replaced by G.
Protein change: p.Lys1875Glu; replaces lysine 1875 with glutamic acid.
Molecular consequence: missense variant. On other transcripts: intron variant (1).
Genome position (GRCh38, 1-based): chr1:197,103,628, T>C on the plus strand (A>G on the coding strand, the complement: ASPM is on the minus strand). VCF-style: chr1-197103628-T-C. GRCh37 (hg19) VCF-style: chr1-197072758-T-C.
Other names: c.4066-7464A>G (NM_001206846.2); short protein forms K1875E.
Identifiers: ClinVar variation 2427887 (VCV002427887.6), dbSNP rs368081657, ClinGen allele CA1309721.
Genomic context (GRCh38, chr1:197,103,628, plus strand): 5'-TAATCTGTTTCCGAACCTTCCAGCCACGATAAGCAGACTGGAGGGAAATCACAGCTGCCT[T>C]TGTCTTCAAAAAATGTGTTCTTGTATCATGAAGAGTCTTGTACGCCCTGTACCATCTCTG-3'
Protein context (NP_060606.3, residues 1865-1885): HDTRTHFLKT[Lys1875Glu]AAVISLQSAY

ClinVar aggregate classification (germline): Uncertain significance (1 of 4 stars; one submission).

Allele frequency attached by ClinVar (database versions not stated): gnomAD exomes 0.00001; ExAC 0.00002; gnomAD 0.00005; TOPMed 0.00005.
gnomAD v4.1: 19 of 1,612,806 alleles (0.0012%); highest among the groups gnomAD compares: African/African-American, 0.02%; no homozygotes.

Submission:

Labcorp Genetics (formerly Invitae), Labcorp
Classification: Uncertain significance. Last evaluated: 2022-08-22. Review status: criteria provided, single submitter. Criteria: Invitae Variant Classification Sherloc (09022015). Collection method: clinical testing. Allele origin: germline.
Comment: This sequence change replaces lysine, which is basic and polar, with glutamic acid, which is acidic and polar, at codon 1875 of the ASPM protein (p.Lys1875Glu). This variant is present in population databases (rs368081657, gnomAD 0.03%). This missense change has been observed in individual(s) with primary microcephaly (PMID: 33643967). Algorithms developed to predict the effect of missense changes on protein structure and function are either unavailable or do not agree on the potential impact of this missense change (SIFT: "Deleterious"; PolyPhen-2: "Possibly Damaging"; Align-GVGD: "Class C0"). In summary, the available evidence is currently insufficient to determine the role of this variant in disease. Therefore, it has been classified as a Variant of Uncertain Significance.

Literature cited by the submitters: PubMed 33643967.